The following is an entry in ClinVar:

ClinVar aggregate classification (germline): Uncertain significance (1 of 4 stars; one submission).

Conditions:
Hereditary cancer-predisposing syndrome. Also called: Tumor predisposition; Hereditary neoplastic syndrome; Neoplastic Syndromes, Hereditary; Hereditary Cancer Syndrome. Identifiers: Orphanet 140162, MedGen C0027672, MeSH D009386, MONDO:0015356.

Submission:

Ambry Genetics
Classification: Uncertain significance for Hereditary cancer-predisposing syndrome. Last evaluated: 2025-04-25. Review status: criteria provided, single submitter. Criteria: Ambry Variant Classification Scheme 2023. Collection method: clinical testing. Allele origin: germline.
Comment: The p.L879I variant (also known as c.2635C>A), located in coding exon 15 of the DICER1 gene, results from a C to A substitution at nucleotide position 2635. The leucine at codon 879 is replaced by isoleucine, an amino acid with highly similar properties. This amino acid position is conserved. In addition, the in silico prediction for this alteration is inconclusive. Based on the available evidence, the clinical significance of this variant remains unclear.

NM_177438.3(DICER1):c.2635C>A (p.Leu879Ile)

Gene: DICER1 (dicer 1, ribonuclease III; minus strand). Cytogenetic location: 14q32.13.
Variant type: single nucleotide variant.
Coding change: c.2635C>A on transcript NM_177438.3 (MANE Select); coding-DNA position 2635, C replaced by A.
Protein change: p.Leu879Ile; replaces leucine 879 with isoleucine.
Molecular consequence: missense variant. On other transcripts: non-coding transcript variant (6).
Genome position (GRCh38, 1-based): chr14:95,107,895, G>T on the plus strand (C>A on the coding strand, the complement: DICER1 is on the minus strand). VCF-style: chr14-95107895-G-T. GRCh37 (hg19) VCF-style: chr14-95574232-G-T.
Other names: c.2635C>A, p.Leu879Ile (NM_001195573.1, NM_001271282.3, NM_001291628.2 and 12 more transcripts); c.2353C>A, p.Leu785Ile (NM_001395686.1); c.2230C>A, p.Leu744Ile (NM_001395687.1, NM_001395688.1, NM_001395689.1 and 2 more transcripts); c.2068C>A, p.Leu690Ile (NM_001395691.1); c.952C>A, p.Leu318Ile (NM_001395697.1); short protein forms L879I, L318I, L744I, L690I, L785I.
Identifiers: ClinVar variation 4011649 (VCV004011649.1).
Genomic context (GRCh38, chr14:95,107,895, plus strand): 5'-TGTATATGTGTCTAGAGTTATCAAAGTAAGAGATTTTTTTCTTACCAACATTAAGAGGTA[G>T]AACACAGTATGCTGAATCAGCGTCTGTAGGTTTAAATTCTAGTGCAGGTTTTTCAAGCCG-3'
Protein context (NP_803187.1, residues 869-889): PTDADSAYCV[Leu879Ile]PLNVVNDSST